The following is an entry in ClinVar:

NM_000038.6(APC):c.4530C>G (p.Ser1510Arg)

Gene: APC (APC regulator of Wnt signaling pathway; plus strand). Cytogenetic location: 5q22.2.
Variant type: single nucleotide variant.
Coding change: c.4530C>G on transcript NM_000038.6 (MANE Select); coding-DNA position 4530, C replaced by G.
Protein change: p.Ser1510Arg; replaces serine 1510 with arginine.
Molecular consequence: missense variant. On other transcripts: non-coding transcript variant (2).
Genome position (GRCh38, 1-based): chr5:112,840,124, C>G. VCF-style: chr5-112840124-C-G. GRCh37 (hg19) VCF-style: chr5-112175821-C-G.
Other names: c.4530C>G, p.Ser1510Arg (NM_001127510.3, NM_001354895.2, NM_001407450.1); c.4476C>G, p.Ser1492Arg (NM_001127511.3); c.4584C>G, p.Ser1528Arg (NM_001354896.2, NM_001407447.1, NM_001407448.1 and 1 more transcripts); c.4560C>G, p.Ser1520Arg (NM_001354897.2); c.4455C>G, p.Ser1485Arg (NM_001354898.2); c.4446C>G, p.Ser1482Arg (NM_001354899.2); c.4407C>G, p.Ser1469Arg (NM_001354900.2); c.4353C>G, p.Ser1451Arg (NM_001354901.2, NM_001407453.1); and 11 more; short protein forms S1126R, S1227R, S1350R, S1381R, S1384R, S1409R, S1419R, S1427R.
Identifiers: ClinVar variation 4801487 (VCV004801487.1).

ClinVar aggregate classification (germline): Uncertain significance (1 of 4 stars; one submission).

Conditions:
Familial adenomatous polyposis 1 (FAP1). Also called: FAMILIAL ADENOMATOUS POLYPOSIS 1, ATTENUATED; POLYPOSIS, ADENOMATOUS INTESTINAL. Identifiers: MedGen C2713442, MONDO:0021056, OMIM 175100. Disease mechanism: loss of function.

Submission:

Labcorp Genetics (formerly Invitae), Labcorp
Classification: Uncertain significance for Familial adenomatous polyposis 1. Last evaluated: 2025-03-20. Review status: criteria provided, single submitter. Criteria: Invitae Variant Classification Sherloc (09022015). Collection method: clinical testing. Allele origin: germline.
Comment: This sequence change replaces serine, which is neutral and polar, with arginine, which is basic and polar, at codon 1510 of the APC protein (p.Ser1510Arg). This variant is not present in population databases (gnomAD no frequency). This variant has not been reported in the literature in individuals affected with APC-related conditions. Invitae Evidence Modeling of protein sequence and biophysical properties (such as structural, functional, and spatial information, amino acid conservation, physicochemical variation, residue mobility, and thermodynamic stability) indicates that this missense variant is not expected to disrupt APC protein function with a negative predictive value of 95%. In summary, the available evidence is currently insufficient to determine the role of this variant in disease. Therefore, it has been classified as a Variant of Uncertain Significance.